The following is an entry in ClinVar:

NM_016343.4(CENPF):c.3804G>A (p.Ala1268=)

Gene: CENPF (centromere protein F; plus strand). Cytogenetic location: 1q41.
Variant type: single nucleotide variant.
Coding change: c.3804G>A on transcript NM_016343.4 (MANE Select); coding-DNA position 3804, G replaced by A.
Protein change: p.Ala1268=; no amino-acid change (alanine 1268 retained).
Molecular consequence: synonymous variant.
Genome position (GRCh38, 1-based): chr1:214,642,142, G>A. VCF-style: chr1-214642142-G-A. GRCh37 (hg19) VCF-style: chr1-214815485-G-A.
Identifiers: ClinVar variation 3388837 (VCV003388837.15).

ClinVar aggregate classification (germline): Likely benign. Review status: criteria provided, multiple submitters, no conflicts (2 of 4 stars). 2 submissions from 2 submitters: Likely benign (2). Last evaluated 2024-11-01.

gnomAD v4.1: 29 of 1,613,750 alleles (0.0018%); highest among the groups gnomAD compares: African/African-American, 0.008%; no homozygotes.

Submissions (2):

CeGaT Center for Human Genetics Tuebingen
Classification: Likely benign. Last evaluated: 2024-11-01. Review status: criteria provided, single submitter. Criteria: CeGaT Center For Human Genetics Tuebingen Variant Classification Criteria Version 2. Collection method: clinical testing. Allele origin: germline. Affected: yes. Observed: 1 variant allele.
Comment: CENPF: BP4, BP7

Blueprint Genetics
Classification: Likely benign. Last evaluated: 2024-07-12. Review status: criteria provided, single submitter. Criteria: ACMG Guidelines, 2015. Collection method: clinical testing. Allele origin: germline.